The following is an entry in ClinVar:

ClinVar aggregate classification (germline): Uncertain significance. Review status: criteria provided, multiple submitters, no conflicts (2 of 4 stars). 3 submissions from 3 submitters: Uncertain significance (3). Last evaluated 2025-11-01.

Conditions:
Inborn genetic diseases. Identifiers: MedGen C0950123, MeSH D030342.

Submissions (3):

CeGaT Center for Human Genetics Tuebingen
Classification: Uncertain significance. Last evaluated: 2025-11-01. Review status: criteria provided, single submitter. Criteria: CeGaT Center For Human Genetics Tuebingen Variant Classification Criteria Version 2. Collection method: clinical testing. Allele origin: germline. Affected: yes. Observed: 1 variant allele.
Comment: TRIO: PM2, BP4

Women's Health and Genetics/Laboratory Corporation of America, LabCorp
Classification: Uncertain significance. Last evaluated: 2023-02-24. Review status: criteria provided, single submitter. Criteria: LabCorp Variant Classification Summary - May 2015. Collection method: clinical testing. Allele origin: germline.
Comment: Variant summary: TRIO c.8332+6C>T alters a non-conserved nucleotide located close to a canonical splice site and therefore could affect mRNA splicing, leading to a significantly altered protein sequence. 4/4 computational tools predict no significant impact on normal splicing. However, these predictions have yet to be confirmed by functional studies. The variant was absent in 251208 control chromosomes (gnomAD). The available data on variant occurrences in the general population are insufficient to allow any conclusion about variant significance. To our knowledge, no occurrence of c.8332+6C>T in individuals affected with TRIO-Related Intellectual Disability and no experimental evidence demonstrating its impact on protein function have been reported. One clinical diagnostic laboratory has submitted clinical-significance assessments for this variant to ClinVar after 2014, and classified the variant as uncertain significance. Based on the evidence outlined above, the variant was classified as uncertain significance.

Ambry Genetics
Classification: Uncertain significance for Inborn genetic diseases. Last evaluated: 2022-04-29. Review status: criteria provided, single submitter. Criteria: Ambry Variant Classification Scheme 2023. Collection method: clinical testing. Allele origin: germline.
Comment: The c.8332+6C>T intronic alteration consists of a C to T substitution 6 nucleotides after exon 53 of the TRIO gene. Based on insufficient or conflicting evidence, the clinical significance of this alteration remains unclear.

NM_007118.4(TRIO):c.8332+6C>T

Genes: TRIO (trio Rho guanine nucleotide exchange factor; plus strand), LOC126807323 (CDK7 strongly-dependent group 2 enhancer GRCh37_chr5:14497716-14498915; plus strand). Cytogenetic location: 5p15.2.
Variant type: single nucleotide variant.
Coding change: c.8332+6C>T on transcript NM_007118.4 (MANE Select); 6 bases into the intron after coding-DNA position 8332, C replaced by T.
Molecular consequence: intron variant.
Genome position (GRCh38, 1-based): chr5:14,498,646, C>T. VCF-style: chr5-14498646-C-T. GRCh37 (hg19) VCF-style: chr5-14498755-C-T.
Other names: c.8332+6C>T (NM_007118.3).
Identifiers: ClinVar variation 2286409 (VCV002286409.9), dbSNP rs962737280, ClinGen allele CA114009383.
Genomic context (GRCh38, chr5:14,498,646, plus strand): 5'-ATCGCTGTCAATGACATGGGTTCAGCCTCATCGTCGGCCAGCCTGAGGGTCCTAGGTAAG[C>T]ACCGTGCAACGAGGATTCTACGTGACCCAGTGGGGCACGTCTTTCAGGAGTCTCCTTAAG-3'